The following is an entry in ClinVar:

NM_025081.3(NYNRIN):c.2261A>G (p.Gln754Arg)

Gene: NYNRIN (NYN domain and retroviral integrase containing; plus strand). Cytogenetic location: 14q12.
Variant type: single nucleotide variant.
Coding change: c.2261A>G on transcript NM_025081.3 (MANE Select); coding-DNA position 2261, A replaced by G.
Protein change: p.Gln754Arg; replaces glutamine 754 with arginine.
Molecular consequence: missense variant.
Genome position (GRCh38, 1-based): chr14:24,410,055, A>G. VCF-style: chr14-24410055-A-G. GRCh37 (hg19) VCF-style: chr14-24879261-A-G.
Other names: short protein forms Q754R.
Identifiers: ClinVar variation 3203602 (VCV003203602.2), dbSNP rs772825031, ClinGen allele CA7136927.

ClinVar aggregate classification (germline): Uncertain significance. Review status: criteria provided, multiple submitters, no conflicts (2 of 4 stars). 2 submissions from 2 submitters: Uncertain significance (2). Last evaluated 2026-10-01.

Conditions:
Predisposition to Wilms tumor.

Allele frequency attached by ClinVar (database versions not stated): TOPMed 0.00003; gnomAD 0.00005; gnomAD exomes 0.00007; ExAC 0.00009; 1000 Genomes Project 30x 0.00031.
gnomAD v4.1: 110 of 1,613,936 alleles (0.0068%); highest among the groups gnomAD compares: Middle Eastern, 0.33%; no homozygotes.

Submissions (2):

St. Jude Molecular Pathology, St. Jude Children's Research Hospital
Classification: Uncertain significance for Predisposition to Wilms tumor. Last evaluated: 2026-10-01. Review status: criteria provided, single submitter. Criteria: St. Jude Assertion Criteria 2020. Collection method: clinical testing. Allele origin: germline.
Comment: The NYNRIN c.2261A>G p.(Gln754A rg) missense change has a maximum subpopulation frequency of 0.01% in gnomAD v2.1.1. The in silico tool REVEL predicts a benign effect on protein function, but to our knowledge this prediction has not been confirmed by functional studies. To our knowledge, this variant has not been reported in the literature in individuals with Wilms tumor. In summary, the evidence currently available is insufficient to determine the clinical significance of this variant. It has there fore been classified as of uncertain significance.

Ambry Genetics
Classification: Uncertain significance. Last evaluated: 2023-12-11. Review status: criteria provided, single submitter. Criteria: Ambry Variant Classification Scheme 2023. Collection method: clinical testing. Allele origin: germline.